The following is an entry in ClinVar:

ClinVar aggregate classification (germline): Likely benign. Review status: criteria provided, multiple submitters, no conflicts (2 of 4 stars). 7 submissions from 7 submitters: Likely benign (7). Last evaluated 2026-01-11.

Conditions:
Cardiovascular phenotype. Identifiers: MedGen CN230736.
Hypertrophic cardiomyopathy. Also called: HYPERTROPHIC MYOCARDIOPATHY. Identifiers: Orphanet 217569, MedGen C0007194, MeSH D002312, MONDO:0005045, HP:0001639.
Cardiomyopathy (CMYO). Also called: Cardiomyopathies. Identifiers: Orphanet 167848, MedGen C0878544, MONDO:0004994, HP:0001638. Inheritance: Various modes of inheritance.

Allele frequency attached by ClinVar (database versions not stated): ExAC 0.00002; gnomAD 0.00002 and 0.00003; gnomAD exomes 0.00002; TOPMed 0.00005.
gnomAD v4.1: 33 of 1,614,016 alleles (0.002%); highest among the groups gnomAD compares: African/African-American, 0.0053%; no homozygotes.

Submissions (7):

Labcorp Genetics (formerly Invitae), Labcorp
Classification: Likely benign for Hypertrophic cardiomyopathy. Last evaluated: 2026-01-11. Review status: criteria provided, single submitter. Criteria: Invitae Variant Classification Sherloc (09022015). Collection method: clinical testing. Allele origin: germline.

All of Us Research Program, National Institutes of Health
Classification: Likely benign for Cardiomyopathy. Last evaluated: 2024-02-05. Review status: criteria provided, single submitter. Criteria: ACMG Guidelines, 2015. Collection method: clinical testing. Allele origin: germline. Inheritance: Autosomal dominant inheritance. Observed: 9 variant alleles, 9 heterozygotes.
Comment: This study involves interpretation of variants in research participants for the purpose of population health screening. Participant phenotype was not available at the time of variant classification. Additional details can be found in publication PMID: 35346344, PMCID: PMC8962531

Blueprint Genetics
Classification: Likely benign. Last evaluated: 2021-09-03. Review status: criteria provided, single submitter. Criteria: ACMG Guidelines, 2015. Collection method: clinical testing. Allele origin: germline.

Ambry Genetics
Classification: Likely benign for Cardiovascular phenotype. Last evaluated: 2021-05-25. Review status: criteria provided, single submitter. Criteria: Ambry Variant Classification Scheme 2023. Collection method: clinical testing. Allele origin: germline.

GeneDx
Classification: Likely benign. Last evaluated: 2020-01-21. Review status: criteria provided, single submitter. Criteria: GeneDx Variant Classification Process June 2021. Collection method: clinical testing. Allele origin: germline. Affected: yes.

Women's Health and Genetics/Laboratory Corporation of America, LabCorp
Classification: Likely benign. Last evaluated: 2019-08-29. Review status: criteria provided, single submitter. Criteria: LabCorp Variant Classification Summary - May 2015. Collection method: clinical testing. Allele origin: germline.

Color Diagnostics, LLC DBA Color Health
Classification: Likely benign for Cardiomyopathy. Last evaluated: 2019-04-20. Review status: criteria provided, single submitter. Criteria: ACMG Guidelines, 2015. Collection method: clinical testing. Allele origin: germline.

NM_000257.4(MYH7):c.4389G>A (p.Ser1463=)

Genes: MHRT (myosin heavy chain associated RNA transcript; plus strand), MYH7 (myosin heavy chain 7; minus strand). Cytogenetic location: 14q11.2.
Variant type: single nucleotide variant.
Coding change: c.4389G>A on transcript NM_000257.4 (MANE Select); coding-DNA position 4389, G replaced by A.
Protein change: p.Ser1463=; no amino-acid change (serine 1463 retained).
Molecular consequence: synonymous variant. On other transcripts: non-coding transcript variant (1).
Genome position (GRCh38, 1-based): chr14:23,417,283, C>T on the plus strand (G>A on the coding strand, the complement: MYH7 is on the minus strand). VCF-style: chr14-23417283-C-T. GRCh37 (hg19) VCF-style: chr14-23886492-C-T.
Other names: c.4389G>A (LRG_384t1).
Identifiers: ClinVar variation 495781 (VCV000495781.19), dbSNP rs781203524, ClinGen allele CA042138.
Genomic context (GRCh38, chr14:23,417,283, plus strand): 5'-TTTGAAGAGCTCTGTGCTGAGGGAGCGAGCCTCCTTCTGCGAGGACTCCAGCTCCGACTG[C>T]GACTCCTCATACTTCTGCTTCCACTCGGCCAGGATCTGCCCGGGGACAAGGCTCACTCTT-3'
Protein context (NP_000248.2, residues 1453-1473): LAEWKQKYEE[Ser1463=]QSELESSQKE